The following is an entry in ClinVar:

NM_001197104.2(KMT2A):c.8333A>G (p.Lys2778Arg)

Gene: KMT2A (lysine methyltransferase 2A; plus strand). Cytogenetic location: 11q23.3.
Variant type: single nucleotide variant.
Coding change: c.8333A>G on transcript NM_001197104.2 (MANE Select); coding-DNA position 8333, A replaced by G.
Protein change: p.Lys2778Arg; replaces lysine 2778 with arginine.
Molecular consequence: missense variant.
Genome position (GRCh38, 1-based): chr11:118,504,225, A>G. VCF-style: chr11-118504225-A-G. GRCh37 (hg19) VCF-style: chr11-118374940-A-G.
Other names: c.8423A>G, p.Lys2808Arg (NM_001412597.1); c.8324A>G, p.Lys2775Arg (NM_005933.4); short protein forms K2775R, K2778R, K2808R.
Identifiers: ClinVar variation 4800563 (VCV004800563.1).

ClinVar aggregate classification (germline): Uncertain significance (1 of 4 stars; one submission).

gnomAD v4.1: 4 of 1,614,208 alleles (0.00025%); highest among the groups gnomAD compares: Non-Finnish European, 0.00034%; no homozygotes.

Submission:

Labcorp Genetics (formerly Invitae), Labcorp
Classification: Uncertain significance. Last evaluated: 2025-02-06. Review status: criteria provided, single submitter. Criteria: Invitae Variant Classification Sherloc (09022015). Collection method: clinical testing. Allele origin: germline.
Comment: This sequence change replaces lysine, which is basic and polar, with arginine, which is basic and polar, at codon 2778 of the KMT2A protein (p.Lys2778Arg). This variant is not present in population databases (gnomAD no frequency). This variant has not been reported in the literature in individuals affected with KMT2A-related conditions. Invitae Evidence Modeling of protein sequence and biophysical properties (such as structural, functional, and spatial information, amino acid conservation, physicochemical variation, residue mobility, and thermodynamic stability) indicates that this missense variant is not expected to disrupt KMT2A protein function with a negative predictive value of 95%. In summary, the available evidence is currently insufficient to determine the role of this variant in disease. Therefore, it has been classified as a Variant of Uncertain Significance.